The following is an entry in ClinVar:

NM_025114.4(CEP290):c.3410G>A (p.Arg1137Gln)

Gene: CEP290 (centrosomal protein 290; minus strand). Cytogenetic location: 12q21.32.
Variant type: single nucleotide variant.
Coding change: c.3410G>A on transcript NM_025114.4 (MANE Select); coding-DNA position 3410, G replaced by A.
Protein change: p.Arg1137Gln; replaces arginine 1137 with glutamine.
Molecular consequence: missense variant.
Genome position (GRCh38, 1-based): chr12:88,092,732, C>T on the plus strand (G>A on the coding strand, the complement: CEP290 is on the minus strand). VCF-style: chr12-88092732-C-T. GRCh37 (hg19) VCF-style: chr12-88486509-C-T.
Other names: short protein forms R1137Q.
Identifiers: ClinVar variation 857527 (VCV000857527.8), dbSNP rs774900495, ClinGen allele CA6712148.
Genomic context (GRCh38, chr12:88,092,732, plus strand): 5'-TGCACTTACTTTGACACTTCAACTTTTAGTTCCATTTCATTCTTCTCTAATTCTAGAATC[C>T]GTTGCCTATCAGCATCACTTACTGCCTTGCTCACACTATCAGCTAATTCATCTCTTAACA-3'
Protein context (NP_079390.3, residues 1127-1147): SKAVSDADRQ[Arg1137Gln]ILELEKNEME

ClinVar aggregate classification (germline): Uncertain significance. Review status: criteria provided, multiple submitters, no conflicts (2 of 4 stars). 5 submissions from 5 submitters: Uncertain significance (2). 3 of the submissions do not count toward it. Last evaluated 2022-08-22.

Conditions:
CEP290-related disorder. Also called: CEP290-related condition; CEP290-related disorders. Identifiers: MedGen CN239314.
Meckel-Gruber syndrome. Also called: DYSENCEPHALIA SPLANCHNOCYSTICA; GRUBER SYNDROME; Dysencephalia splachnocystica. Identifiers: Orphanet 564, MedGen C0265215, MONDO:0018921.
Nephronophthisis. Also called: Juvenile Nephronophthisis. Identifiers: Orphanet 655, MedGen C0687120, MONDO:0019005, HP:0000090.
Joubert syndrome. Also called: CEREBELLOPARENCHYMAL DISORDER IV; JOUBERT-BOLTSHAUSER SYNDROME; Familial aplasia of the vermis. Identifiers: Orphanet 475, MedGen C5979921, MONDO:0018772.
Senior-Loken syndrome 6 (SLSN6). Identifiers: Orphanet 3156, MedGen C1857779, MONDO:0012433, OMIM 610189.
Leber congenital amaurosis 10 (LCA10). Identifiers: Orphanet 65, MedGen C1857821, MONDO:0012723, OMIM 611755.
Bardet-Biedl syndrome 14 (BBS14). Identifiers: Orphanet 110, MedGen C2673874, MONDO:0014442, OMIM 615991.
Meckel syndrome, type 4 (MKS4). Also called: MECKEL-GRUBER SYNDROME, TYPE 4. Identifiers: Orphanet 564, MedGen C1970161, MONDO:0012626, OMIM 611134.
Joubert syndrome 5 (JBTS5). Identifiers: Orphanet 2318, MedGen C1857780, MONDO:0012432, OMIM 610188.
Retinal dystrophy. Also called: Inherited retinal dystrophy. Identifiers: Orphanet 71862, MedGen C0854723, MeSH D058499, MONDO:0019118, HP:0000556.
Leber congenital amaurosis (LCA). Also called: Leber's amaurosis. Identifiers: Orphanet 65, MedGen C0339527, MeSH D057130, MONDO:0018998.

Allele frequency attached by ClinVar (database versions not stated): gnomAD 0.00002; TOPMed 0.00002; ExAC 0.00003; gnomAD exomes 0.00003 and 0.00004.
gnomAD v4.1: 54 of 1,609,690 alleles (0.0034%); highest among the groups gnomAD compares: South Asian, 0.02%; no homozygotes.

Submissions (5):

Labcorp Genetics (formerly Invitae), Labcorp
Classification: Uncertain significance for Joubert syndrome; Meckel-Gruber syndrome; Nephronophthisis. Last evaluated: 2022-08-22. Review status: criteria provided, single submitter. Criteria: Invitae Variant Classification Sherloc (09022015). Collection method: clinical testing. Allele origin: germline.
Comment: This sequence change replaces arginine, which is basic and polar, with glutamine, which is neutral and polar, at codon 1137 of the CEP290 protein (p.Arg1137Gln). This variant is present in population databases (rs774900495, gnomAD 0.01%). This variant has not been reported in the literature in individuals affected with CEP290-related conditions. ClinVar contains an entry for this variant (Variation ID: 857527). Algorithms developed to predict the effect of missense changes on protein structure and function are either unavailable or do not agree on the potential impact of this missense change (SIFT: "Tolerated"; PolyPhen-2: "Possibly Damaging"; Align-GVGD: "Class C0"). In summary, the available evidence is currently insufficient to determine the role of this variant in disease. Therefore, it has been classified as a Variant of Uncertain Significance.

Fulgent Genetics
Classification: Uncertain significance for Joubert syndrome 5; Senior-Loken syndrome 6; Meckel syndrome, type 4; Leber congenital amaurosis 10; Bardet-Biedl syndrome 14. Last evaluated: 2022-02-24. Review status: criteria provided, single submitter. Criteria: ACMG Guidelines, 2015. Collection method: clinical testing. Allele origin: unknown.

PreventionGenetics, part of Exact Sciences
Classification: Uncertain significance for CEP290-related condition. Last evaluated: 2024-01-18. Review status: no assertion criteria provided. Collection method: clinical testing. Allele origin: germline. Not counted in ClinVar's aggregate classification.
Comment: The CEP290 c.3410G>A variant is predicted to result in the amino acid substitution p.Arg1137Gln. To our knowledge, this variant has not been reported in the literature. This variant is reported in 0.013% of alleles in individuals of South Asian descent in gnomAD. At this time, the clinical significance of this variant is uncertain due to the absence of conclusive functional and genetic evidence.

Institute of Human Genetics, Univ. Regensburg, Univ. Regensburg
Classification: Uncertain significance for Retinal dystrophy. Last evaluated: 2023-01-01. Review status: no assertion criteria provided. Criteria: ACMG Guidelines, 2015. Collection method: clinical testing. Allele origin: germline. Affected: yes. Not counted in ClinVar's aggregate classification.

Natera, Inc.
Classification: Uncertain significance for Leber congenital amaurosis. Last evaluated: 2020-03-20. Review status: no assertion criteria provided. Collection method: clinical testing. Allele origin: germline. Not counted in ClinVar's aggregate classification.